The following is an entry in ClinVar:

NM_177438.3(DICER1):c.1624G>C (p.Glu542Gln)

Gene: DICER1 (dicer 1, ribonuclease III; minus strand). Cytogenetic location: 14q32.13.
Variant type: single nucleotide variant.
Coding change: c.1624G>C on transcript NM_177438.3 (MANE Select); coding-DNA position 1624, G replaced by C.
Protein change: p.Glu542Gln; replaces glutamic acid 542 with glutamine.
Molecular consequence: missense variant. On other transcripts: non-coding transcript variant (6), splice acceptor variant (1).
Genome position (GRCh38, 1-based): chr14:95,116,581, C>G on the plus strand (G>C on the coding strand, the complement: DICER1 is on the minus strand). VCF-style: chr14-95116581-C-G. GRCh37 (hg19) VCF-style: chr14-95582918-C-G.
Other names: c.1624G>C, p.Glu542Gln (NM_001271282.3, NM_001291628.2, NM_001395677.1 and 13 more transcripts); c.1342G>C, p.Glu448Gln (NM_001395686.1); c.1219G>C, p.Glu407Gln (NM_001395687.1, NM_001395688.1, NM_001395689.1 and 3 more transcripts); c.1057G>C, p.Glu353Gln (NM_001395691.1); c.-59-1G>C (NM_001395697.1); short protein forms E448Q, E407Q, E542Q, E353Q.
Identifiers: ClinVar variation 2745096 (VCV002745096.3), dbSNP rs2543032656, ClinGen allele CA390884932.

ClinVar aggregate classification (germline): Uncertain significance (1 of 4 stars; one submission).

Conditions:
DICER1-related tumor predisposition. Also called: DICER1 syndrome; DICER1-related pleuropulmonary blastoma cancer predisposition syndrome. Identifiers: Orphanet 284343, MedGen C3839822, MONDO:0100216.

Submission:

Labcorp Genetics (formerly Invitae), Labcorp
Classification: Uncertain significance for DICER1-related tumor predisposition. Last evaluated: 2023-07-19. Review status: criteria provided, single submitter. Criteria: Invitae Variant Classification Sherloc (09022015). Collection method: clinical testing. Allele origin: germline.
Comment: This sequence change replaces glutamic acid, which is acidic and polar, with glutamine, which is neutral and polar, at codon 542 of the DICER1 protein (p.Glu542Gln). This variant is not present in population databases (gnomAD no frequency). This variant has not been reported in the literature in individuals affected with DICER1-related conditions. Advanced modeling of protein sequence and biophysical properties (such as structural, functional, and spatial information, amino acid conservation, physicochemical variation, residue mobility, and thermodynamic stability) has been performed at Invitae for this missense variant, however the output from this modeling did not meet the statistical confidence thresholds required to predict the impact of this variant on DICER1 protein function. Algorithms developed to predict the effect of sequence changes on RNA splicing suggest that this variant may disrupt the consensus splice site. In summary, the available evidence is currently insufficient to determine the role of this variant in disease. Therefore, it has been classified as a Variant of Uncertain Significance.